The following is an entry in ClinVar:

ClinVar aggregate classification (germline): Conflicting classifications of pathogenicity. Review status: criteria provided, conflicting classifications (1 of 4 stars). 3 submissions from 3 submitters: Uncertain significance (2); Likely benign (1). Last evaluated 2026-01-05.

Conditions:
Myofibrillar myopathy 4. Also called: Zaspopathy (type). Identifiers: Orphanet 98912, MedGen C4721886, MONDO:0012277, OMIM 609452.

Allele frequency attached by ClinVar (database versions not stated): ExAC 0.00001; gnomAD 0.00002 and 0.00003; gnomAD exomes 0.00002; TOPMed 0.00002; 1000 Genomes Project 30x 0.00016; 1000 Genomes Project 0.00020.

Submissions (3):

Labcorp Genetics (formerly Invitae), Labcorp
Classification: Uncertain significance for Myofibrillar myopathy 4. Last evaluated: 2026-01-05. Review status: criteria provided, single submitter. Criteria: Invitae Variant Classification Sherloc (09022015). Collection method: clinical testing. Allele origin: germline.
Comment: This sequence change replaces valine, which is neutral and non-polar, with isoleucine, which is neutral and non-polar, at codon 198 of the LDB3 protein (p.Val198Ile). This variant is present in population databases (rs573061464, gnomAD 0.006%). This variant has not been reported in the literature in individuals affected with LDB3-related conditions. ClinVar contains an entry for this variant (Variation ID: 179323). An algorithm developed to predict the effect of missense changes on protein structure and function (PolyPhen-2) suggests that this variant is likely to be disruptive. In summary, the available evidence is currently insufficient to determine the role of this variant in disease. Therefore, it has been classified as a Variant of Uncertain Significance.

GeneDx
Classification: Likely benign. Last evaluated: 2024-10-03. Review status: criteria provided, single submitter. Criteria: GeneDx Variant Classification Process June 2021. Collection method: clinical testing. Allele origin: germline. Affected: yes.
Comment: See Variant Classification Assertion Criteria.

Laboratory for Molecular Medicine, Mass General Brigham Personalized Medicine
Classification: Uncertain significance. Last evaluated: 2013-11-29. Review status: criteria provided, single submitter. Criteria: LMM Criteria. Collection method: clinical testing. Allele origin: germline. Observed: 1 variant allele.
Comment: The Val245Ile variant in LDB3 has not been previously reported in individuals wi th cardiomyopathy and was absent from large population studies. Computational an alyses (biochemical amino acid properties, conservation, AlignGVGD, PolyPhen2, a nd SIFT) do not provide strong support for or against an impact to the protein. Additional information is needed to fully assess the clinical significance of th is variant.

NM_007078.3(LDB3):c.733G>A (p.Val245Ile)

Gene: LDB3 (LIM domain binding 3; plus strand). Cytogenetic location: 10q23.2.
Variant type: single nucleotide variant.
Coding change: c.733G>A on transcript NM_007078.3 (MANE Select); coding-DNA position 733, G replaced by A.
Protein change: p.Val245Ile; replaces valine 245 with isoleucine.
Molecular consequence: missense variant.
Genome position (GRCh38, 1-based): chr10:86,691,939, G>A. VCF-style: chr10-86691939-G-A. GRCh37 (hg19) VCF-style: chr10-88451696-G-A.
Other names: c.592G>A, p.Val198Ile (NM_001080114.2, NM_001080116.1, NM_001368066.1 and 2 more transcripts); c.733G>A, p.Val245Ile (NM_001080115.2, NM_001368063.1, NM_001368064.1 and 1 more transcripts); c.937G>A, p.Val313Ile (NM_001171610.2, NM_001171611.2); short protein forms V198I, V245I, V313I.
Identifiers: ClinVar variation 179323 (VCV000179323.12), dbSNP rs573061464, ClinGen allele CA184199.